The following is an entry in ClinVar:

ClinVar aggregate classification (germline): Likely benign (1 of 4 stars; one submission).

Allele frequency attached by ClinVar (database versions not stated): 1000 Genomes Project 0.00339.

Submission:

CeGaT Center for Human Genetics Tuebingen
Classification: Likely benign. Last evaluated: 2026-07-01. Review status: criteria provided, single submitter. Criteria: CeGaT Center For Human Genetics Tuebingen Variant Classification Criteria Version 2. Collection method: clinical testing. Allele origin: germline. Affected: yes. Observed: 6 variant alleles.
Comment: MUC21: BP4, BP7

NM_001010909.5(MUC21):c.651G>A (p.Thr217=)

Gene: MUC21 (mucin 21, cell surface associated; plus strand). Cytogenetic location: 6p21.33.
Variant type: single nucleotide variant.
Coding change: c.651G>A on transcript NM_001010909.5 (MANE Select); coding-DNA position 651, G replaced by A.
Protein change: p.Thr217=; no amino-acid change (threonine 217 retained).
Molecular consequence: synonymous variant. On other transcripts: non-coding transcript variant (1).
Genome position (GRCh38, 1-based): chr6:30,986,826, G>A. VCF-style: chr6-30986826-G-A. GRCh37 (hg19) VCF-style: chr6-30954603-G-A.
Other names: c.741G>A, p.Thr247= (NM_001322370.2, NM_001322371.2).
Identifiers: ClinVar variation 2656354 (VCV002656354.24), dbSNP rs532108366, ClinGen allele CA3707227.